The following is an entry in ClinVar:

NM_001232.4(CASQ2):c.11C>T (p.Thr4Ile)

Gene: CASQ2 (calsequestrin 2; minus strand). Cytogenetic location: 1p13.1.
Variant type: single nucleotide variant.
Coding change: c.11C>T on transcript NM_001232.4 (MANE Select); coding-DNA position 11, C replaced by T.
Protein change: p.Thr4Ile; replaces threonine 4 with isoleucine.
Molecular consequence: missense variant.
Genome position (GRCh38, 1-based): chr1:115,768,531, G>A on the plus strand (C>T on the coding strand, the complement: CASQ2 is on the minus strand). VCF-style: chr1-115768531-G-A. GRCh37 (hg19) VCF-style: chr1-116311152-G-A.
Other names: short protein forms T4I.
Identifiers: ClinVar variation 191443 (VCV000191443.1), dbSNP rs200558909, ClinGen allele CA236677.

ClinVar aggregate classification (germline): Uncertain significance (1 of 4 stars; one submission).

Allele frequency attached by ClinVar (database versions not stated): gnomAD exomes below 0.00001; ExAC 0.00001.
gnomAD v4.1: 2 of 1,609,138 alleles (0.00012%); highest among the groups gnomAD compares: Non-Finnish European, 0.00017%; no homozygotes.

Submission:

Biesecker Lab/Clinical Genomics Section, National Institutes of Health
Classification: Uncertain significance. Last evaluated: 2013-06-24. Review status: criteria provided, single submitter. Criteria: Ng et al. (Circ Cardiovasc Genet. 2013). Collection method: research. Allele origin: unknown. Observed: 1 variant allele. Study: ClinSeq.
Comment: The study set was not selected for affection status in relation to any cancer. Pathogenicity categories were based on literature curation. See Pubmed ID:23861362 for details.

Medical sequencing